The following is an entry in ClinVar:

ClinVar aggregate classification (germline): Likely benign (0 of 4 stars; one submission).

Conditions:
MVB12B-related disorder. Also called: MVB12B-related condition.

Allele frequency attached by ClinVar (database versions not stated): 1000 Genomes Project 0.00120; gnomAD 0.00143; ExAC 0.00146; TOPMed 0.00165; ESP Exome Variant Server 0.00192; gnomAD exomes 0.00216; 1000 Genomes Project 30x 0.00219.
gnomAD v4.1: 3,326 of 1,613,420 alleles (0.21%); highest among the groups gnomAD compares: Non-Finnish European, 0.26%; 2 homozygotes.

Submissions (3):

PreventionGenetics, part of Exact Sciences
Classification: Likely benign for MVB12B-related condition. Last evaluated: 2019-10-28. Review status: no assertion criteria provided. Collection method: clinical testing. Allele origin: germline.
Comment: This variant is classified as likely benign based on ACMG/AMP sequence variant interpretation guidelines (Richards et al. 2015 PMID: 25741868, with internal and published modifications).

Dr. Peter K. Rogan Lab, Western University
No classification provided (evidence only). Condition: Familial cancer of breast. Review status: no classification provided. Collection method: in vitro. Allele origin: not applicable. Functional consequence: retained intron. Not counted in ClinVar's aggregate classification.

Dr. Peter K. Rogan Lab, Western University
No classification provided (evidence only). Condition: Hepatocellular carcinoma. Review status: no classification provided. Collection method: in vitro. Allele origin: not applicable. Functional consequence: retained intron. Not counted in ClinVar's aggregate classification.

NM_033446.3(MVB12B):c.540-4A>G

Gene: MVB12B (multivesicular body subunit 12B; plus strand). Cytogenetic location: 9q33.3.
Variant type: single nucleotide variant.
Coding change: c.540-4A>G on transcript NM_033446.3 (MANE Select); 4 bases into the intron before coding-DNA position 540, A replaced by G.
Molecular consequence: intron variant.
Genome position (GRCh38, 1-based): chr9:126,395,571, A>G. VCF-style: chr9-126395571-A-G. GRCh37 (hg19) VCF-style: chr9-129157850-A-G.
Other names: NC_000009.11:g.129157850A>G; c.540-4A>G (NM_001011703.3).
Identifiers: ClinVar variation 3052638 (VCV003052638.3), dbSNP rs184316811, ClinGen allele CA5242027.
Genomic context (GRCh38, chr9:126,395,571, plus strand): 5'-TTTGTCACTCAGGTAAATGCTTTGTGCTAACCAGAGCCATGAAGATTTCTCTTTTTTCCT[A>G]AAGGGAACTGAACAGCATGGGGATCTGGTATCGAATGGGCAGAGTACCAAGAAATCATGA-3'